The following is an entry in ClinVar:

ClinVar aggregate classification (germline): Uncertain significance. Review status: criteria provided, multiple submitters, no conflicts (2 of 4 stars). 2 submissions from 2 submitters: Uncertain significance (2). Last evaluated 2025-09-23.

Conditions:
Hyperinsulinemic hypoglycemia, familial, 2. Also called: HYPERINSULINEMIC HYPOGLYCEMIA, PERSISTENT; HYPERINSULINISM, NEONATAL. Identifiers: Orphanet 276580, Orphanet 276603, MedGen C2931833, MONDO:0011153, OMIM 601820. Disease mechanism: loss of function.

Submissions (2):

Myriad Genetics, Inc.
Classification: Uncertain significance for Hyperinsulinemic hypoglycemia, familial, 2. Last evaluated: 2025-09-23. Review status: criteria provided, single submitter. Criteria: Myriad Autosomal Dominant, Autosomal Recessive and X-Linked Classification Criteria (2023). Collection method: clinical testing. Allele origin: unknown.
Comment: NM_000525.3(KCNJ11):c.1037C>T(A346V) is a missense variant classified as a variant of uncertain significance in the context of familial hyperinsulinism, KCNJ11-related. A346V has been observed in a case with relevant disease (PMID: 34700371). Relevant functional assessments of this variant are not available in the literature. A346V has not been observed in referenced population frequency databases. In summary, there is insufficient evidence to classify NM_000525.3(KCNJ11):c.1037C>T(A346V) as pathogenic or benign. Please note: this variant was assessed in the context of healthy population screening.

GeneDx
Classification: Uncertain significance. Last evaluated: 2022-06-27. Review status: criteria provided, single submitter. Criteria: GeneDx Variant Classification Process June 2021. Collection method: clinical testing. Allele origin: germline. Affected: yes.
Comment: Not observed at significant frequency in large population cohorts (gnomAD); In silico analysis supports that this missense variant has a deleterious effect on protein structure/function; This variant is associated with the following publications: (PMID: 34700371)

Literature cited by the submitters: PubMed 34700371 (cited by Myriad Genetics, Inc.).

NM_000525.4(KCNJ11):c.1037C>T (p.Ala346Val)

Gene: KCNJ11 (potassium inwardly rectifying channel subfamily J member 11; minus strand). Cytogenetic location: 11p15.1.
Variant type: single nucleotide variant.
Coding change: c.1037C>T on transcript NM_000525.4 (MANE Select); coding-DNA position 1037, C replaced by T.
Protein change: p.Ala346Val; replaces alanine 346 with valine.
Molecular consequence: missense variant.
Genome position (GRCh38, 1-based): chr11:17,387,055, G>A on the plus strand (C>T on the coding strand, the complement: KCNJ11 is on the minus strand). VCF-style: chr11-17387055-G-A. GRCh37 (hg19) VCF-style: chr11-17408602-G-A.
Other names: c.776C>T, p.Ala259Val (NM_001166290.2, NM_001377296.1, NM_001377297.1); short protein forms A259V, A346V.
Identifiers: ClinVar variation 1810027 (VCV001810027.2), dbSNP rs2496407594, ClinGen allele CA379769374.